The following is an entry in ClinVar:

ClinVar aggregate classification (germline): Pathogenic/Likely pathogenic. Review status: criteria provided, multiple submitters, no conflicts (2 of 4 stars). 2 submissions from 2 submitters: Pathogenic (1); Likely pathogenic (1). Last evaluated 2024-10-15.

Conditions:
Marfan syndrome (MFS). Also called: Marfan syndrome type 1; Marfan's syndrome; FBN1-Related Marfan Syndrome; MARFAN SYNDROME, TYPE I; Marfan syndrome, classic. Identifiers: Orphanet 284963, Orphanet 558, MedGen C0024796, MONDO:0007947, OMIM 154700.
Familial thoracic aortic aneurysm and aortic dissection (TAAD). Also called: Thoracic aortic aneurysms and dissections. Identifiers: Orphanet 91387, MedGen C4707243, MONDO:0019625.
Marfan Syndrome/Loeys-Dietz Syndrome/Familial Thoracic Aortic Aneurysms and Dissections. Identifiers: MedGen CN229799.

Submissions (2):

Labcorp Genetics (formerly Invitae), Labcorp
Classification: Pathogenic for Marfan syndrome; Familial thoracic aortic aneurysm and aortic dissection. Last evaluated: 2024-10-15. Review status: criteria provided, single submitter. Criteria: Invitae Variant Classification Sherloc (09022015). Collection method: clinical testing. Allele origin: germline.
Comment: This sequence change creates a premature translational stop signal (p.Val2358Profs*41) in the FBN1 gene. It is expected to result in an absent or disrupted protein product. Loss-of-function variants in FBN1 are known to be pathogenic (PMID: 17657824, 19293843). This variant is not present in population databases (gnomAD no frequency). This variant has not been reported in the literature in individuals affected with FBN1-related conditions. ClinVar contains an entry for this variant (Variation ID: 1339670). For these reasons, this variant has been classified as Pathogenic.

Women's Health and Genetics/Laboratory Corporation of America, LabCorp
Classification: Likely pathogenic for Marfan Syndrome/Loeys-Dietz Syndrome/Familial Thoracic Aortic Aneurysms and Dissections. Last evaluated: 2022-01-10. Review status: criteria provided, single submitter. Criteria: LabCorp Variant Classification Summary - May 2015. Collection method: clinical testing. Allele origin: germline.
Comment: Variant summary: FBN1 c.7070_7071dupCC (p.Val2358ProfsX41) results in a premature termination codon, predicted to cause a truncation of the encoded protein or absence of the protein due to nonsense mediated decay, which are commonly known mechanisms for disease. Truncations downstream of this position have been classified as pathogenic by our laboratory. The variant was absent in 250818 control chromosomes. To our knowledge, no occurrence of c.7070_7071dupCC in individuals affected with Marfan Syndrome and no experimental evidence demonstrating its impact on protein function have been reported. No clinical diagnostic laboratories have submitted clinical-significance assessments for this variant to ClinVar after 2014. Based on the evidence outlined above, the variant was classified as likely pathogenic.

Literature cited by the submitters: PubMed 17657824 (cited by Labcorp Genetics (formerly Invitae), Labcorp); PubMed 19293843 (cited by Labcorp Genetics (formerly Invitae), Labcorp).

NM_000138.5(FBN1):c.7070_7071dup (p.Val2358fs)

Gene: FBN1 (fibrillin 1; minus strand). Cytogenetic location: 15q21.1.
Variant type: Duplication.
Coding change: c.7070_7071dup on transcript NM_000138.5 (MANE Select); coding-DNA positions 7070 to 7071, 2 bases duplicated (CC; older notation c.7070_7071dupCC).
Protein change: p.Val2358fs; shifts the reading frame from valine 2358.
Molecular consequence: frameshift variant.
Genome position (GRCh38, 1-based): chr15:48,427,700-48,427,701, GG duplicated on the plus strand (CC on the coding strand, the reverse complement: FBN1 is on the minus strand); duplicating any 2 consecutive bases within chr15:48,427,700-48,427,703 gives the same sequence; the c. name uses the placement nearest the transcript's 3' end. VCF-style (leftmost placement, unchanged base first): chr15-48427699-C-CGG. GRCh37 (hg19) VCF-style: chr15-48719896-C-CGG.
Other names: short protein forms V2358fs.
Identifiers: ClinVar variation 1339670 (VCV001339670.3), dbSNP rs1555394571, ClinGen allele CA2573054024.